The following is an entry in ClinVar:

NM_000321.3(RB1):c.2321C>T (p.Thr774Ile)

Gene: RB1 (RB transcriptional corepressor 1; plus strand). Cytogenetic location: 13q14.2.
Variant type: single nucleotide variant.
Coding change: c.2321C>T on transcript NM_000321.3 (MANE Select); coding-DNA position 2321, C replaced by T.
Protein change: p.Thr774Ile; replaces threonine 774 with isoleucine.
Molecular consequence: missense variant.
Genome position (GRCh38, 1-based): chr13:48,465,107, C>T. VCF-style: chr13-48465107-C-T. GRCh37 (hg19) VCF-style: chr13-49039243-C-T.
Other names: c.2321C>T, p.Thr774Ile (NM_001407165.1); short protein forms T774I.
Identifiers: ClinVar variation 2585750 (VCV002585750.3), dbSNP rs2138345051, ClinGen allele CA388167727.

ClinVar aggregate classification (germline): Uncertain significance (1 of 4 stars; one submission).

Conditions:
Hereditary cancer-predisposing syndrome. Also called: Hereditary neoplastic syndrome; Tumor predisposition; Hereditary Cancer Syndrome; Neoplastic Syndromes, Hereditary. Identifiers: Orphanet 140162, MedGen C0027672, MeSH D009386, MONDO:0015356.

Submission:

Ambry Genetics
Classification: Uncertain significance for Hereditary cancer-predisposing syndrome. Last evaluated: 2025-04-02. Review status: criteria provided, single submitter. Criteria: Ambry Variant Classification Scheme 2023. Collection method: clinical testing. Allele origin: germline.
Comment: The p.T774I variant (also known as c.2321C>T), located in coding exon 22 of the RB1 gene, results from a C to T substitution at nucleotide position 2321. The threonine at codon 774 is replaced by isoleucine, an amino acid with similar properties. This amino acid position is not well conserved in available vertebrate species. In addition, the in silico prediction for this alteration is inconclusive. Based on the available evidence, the clinical significance of this variant remains unclear.